The following is an entry in ClinVar:

ClinVar aggregate classification (germline): Uncertain significance. Review status: criteria provided, multiple submitters, no conflicts (2 of 4 stars). 3 submissions from 3 submitters: Uncertain significance (3). Last evaluated 2025-11-20.

Conditions:
Familial thoracic aortic aneurysm and aortic dissection (TAAD). Also called: Thoracic aortic aneurysms and dissections. Identifiers: Orphanet 91387, MedGen C4707243, MONDO:0019625.
FG syndrome (FGS). Identifiers: MedGen C0220769, MONDO:0002010.

gnomAD v4.1: 3 of 1,211,385 alleles (0.00025%); highest among the groups gnomAD compares: Non-Finnish European, 0.00034%; no homozygotes.

Submissions (3):

Ambry Genetics
Classification: Uncertain significance for Familial thoracic aortic aneurysm and aortic dissection. Last evaluated: 2025-11-20. Review status: criteria provided, single submitter. Criteria: Ambry Variant Classification Scheme 2023. Collection method: clinical testing. Allele origin: germline.

Labcorp Genetics (formerly Invitae), Labcorp
Classification: Uncertain significance for FG syndrome. Last evaluated: 2025-01-06. Review status: criteria provided, single submitter. Criteria: Invitae Variant Classification Sherloc (09022015). Collection method: clinical testing. Allele origin: germline.
Comment: This sequence change replaces serine, which is neutral and polar, with threonine, which is neutral and polar, at codon 316 of the MED12 protein (p.Ser316Thr). This variant is not present in population databases (gnomAD no frequency). This variant has not been reported in the literature in individuals affected with MED12-related conditions. Invitae Evidence Modeling of protein sequence and biophysical properties (such as structural, functional, and spatial information, amino acid conservation, physicochemical variation, residue mobility, and thermodynamic stability) indicates that this missense variant is not expected to disrupt MED12 protein function with a negative predictive value of 95%. In summary, the available evidence is currently insufficient to determine the role of this variant in disease. Therefore, it has been classified as a Variant of Uncertain Significance.

Blueprint Genetics
Classification: Uncertain significance. Last evaluated: 2022-02-23. Review status: criteria provided, single submitter. Criteria: ACMG Guidelines, 2015. Collection method: clinical testing. Allele origin: germline.

NM_005120.3(MED12):c.946T>A (p.Ser316Thr)

Gene: MED12 (mediator complex subunit 12; plus strand). Cytogenetic location: Xq13.1.
Variant type: single nucleotide variant.
Coding change: c.946T>A on transcript NM_005120.3 (MANE Select); coding-DNA position 946, T replaced by A.
Protein change: p.Ser316Thr; replaces serine 316 with threonine.
Molecular consequence: missense variant.
Genome position (GRCh38, 1-based): chrX:71,121,661, T>A. VCF-style: chrX-71121661-T-A. GRCh37 (hg19) VCF-style: chrX-70341511-T-A.
Other names: c.946T>A (NM_005120.2); short protein forms S316T.
Identifiers: ClinVar variation 3665954 (VCV003665954.4).